The following is an entry in ClinVar:

ClinVar aggregate classification (germline): Uncertain significance. Review status: criteria provided, multiple submitters, no conflicts (2 of 4 stars). 2 submissions from 2 submitters: Uncertain significance (2). Last evaluated 2024-06-25.

Allele frequency attached by ClinVar (database versions not stated): TOPMed below 0.00001.
gnomAD v4.1: 3 of 1,596,194 alleles (0.00019%); highest among the groups gnomAD compares: East Asian, 0.0045%; no homozygotes.

Submissions (2):

Labcorp Genetics (formerly Invitae), Labcorp
Classification: Uncertain significance. Last evaluated: 2024-06-25. Review status: criteria provided, single submitter. Criteria: Invitae Variant Classification Sherloc (09022015). Collection method: clinical testing. Allele origin: germline.
Comment: This sequence change replaces threonine, which is neutral and polar, with isoleucine, which is neutral and non-polar, at codon 74 of the NPAT protein (p.Thr74Ile). This variant is not present in population databases (gnomAD no frequency). This variant has not been reported in the literature in individuals affected with NPAT-related conditions. An algorithm developed to predict the effect of missense changes on protein structure and function (PolyPhen-2) suggests that this variant is likely to be disruptive. In summary, the available evidence is currently insufficient to determine the role of this variant in disease. Therefore, it has been classified as a Variant of Uncertain Significance.

Ambry Genetics
Classification: Uncertain significance. Last evaluated: 2024-01-02. Review status: criteria provided, single submitter. Criteria: Ambry Variant Classification Scheme 2023. Collection method: clinical testing. Allele origin: germline.

NM_002519.3(NPAT):c.221C>T (p.Thr74Ile)

Gene: NPAT (nuclear protein, coactivator of histone transcription; minus strand). Cytogenetic location: 11q22.3.
Variant type: single nucleotide variant.
Coding change: c.221C>T on transcript NM_002519.3 (MANE Select); coding-DNA position 221, C replaced by T.
Protein change: p.Thr74Ile; replaces threonine 74 with isoleucine.
Molecular consequence: missense variant.
Genome position (GRCh38, 1-based): chr11:108,192,187, G>A on the plus strand (C>T on the coding strand, the complement: NPAT is on the minus strand). VCF-style: chr11-108192187-G-A. GRCh37 (hg19) VCF-style: chr11-108062914-G-A.
Other names: c.221C>T, p.Thr74Ile (NM_001321307.1); short protein forms T74I.
Identifiers: ClinVar variation 3201549 (VCV003201549.3), dbSNP rs2078176418, ClinGen allele CA382526738.